The following is an entry in ClinVar:

NC_000012.12:g.121626882_121626883insT

Genes: ORAI1 (ORAI calcium release-activated calcium modulator 1; plus strand), LOC130008987 (ATAC-STARR-seq lymphoblastoid silent region 4981; plus strand). Cytogenetic location: 12q24.31.
Variant type: Insertion.
Genome position: GRCh38 VCF-style: chr12-121626882-G-GT. GRCh37 (hg19) VCF-style: chr12-122064788-G-GT.
Other names: c.135_136insT, p.Pro46Serfs (NM_032790.4); short protein forms P46fs.
Identifiers: ClinVar variation 500315 (VCV000500315.44), dbSNP rs375895928, ClinGen allele CA244608423.

ClinVar aggregate classification (germline): Conflicting classifications of pathogenicity. Review status: criteria provided, conflicting classifications (1 of 4 stars). 4 submissions from 4 submitters: Uncertain significance (1); Likely benign (3). Last evaluated 2026-09-01.

Conditions:
Combined immunodeficiency due to ORAI1 deficiency. Also called: IMMUNODEFICIENCY 9. Identifiers: Orphanet 169090, Orphanet 317428, MedGen C2748568, MONDO:0013007, OMIM 612782.
Myopathy, tubular aggregate, 2 (TAM2). Identifiers: MedGen C4014557, MONDO:0014383, OMIM 615883.
Primary ciliary dyskinesia. Also called: Ciliary dyskinesia. Identifiers: Orphanet 244, MedGen C0008780, MONDO:0016575, HP:0012265.

Allele frequency attached by ClinVar (database versions not stated): 1000 Genomes Project 30x 0.00203; 1000 Genomes Project 0.00220; gnomAD 0.00381 and 0.00391; gnomAD exomes 0.00444 and 0.00562; ExAC 0.00474.

Submissions (4):

CeGaT Center for Human Genetics Tuebingen
Classification: Likely benign. Last evaluated: 2026-09-01. Review status: criteria provided, single submitter. Criteria: CeGaT Center For Human Genetics Tuebingen Variant Classification Criteria Version 2. Collection method: clinical testing. Allele origin: germline. Affected: yes. Observed: 31 variant alleles.
Comment: ORAI1: BS2

Department of Human Genetics, Hannover Medical School
Classification: Uncertain significance for Primary Ciliary Dyskinesia. Last evaluated: 2026-04-01. Review status: criteria provided, single submitter. Criteria: ACMG Guidelines, 2015. Collection method: research. Allele origin: germline. Affected: no.
Comment: Classification performed by HerediClassify using the following criteria:['PVS1_protein_strong: Transcript ENST00000617316 is not predicted to undergo NMD. Protein length change of 0.7142857142857143 observed.']

Labcorp Genetics (formerly Invitae), Labcorp
Classification: Likely benign for Myopathy, tubular aggregate, 2; Combined immunodeficiency due to ORAI1 deficiency. Last evaluated: 2026-02-02. Review status: criteria provided, single submitter. Criteria: Invitae Variant Classification Sherloc (09022015). Collection method: clinical testing. Allele origin: germline.

Eurofins Ntd Llc (ga)
Classification: Likely benign. Last evaluated: 2017-04-05. Review status: criteria provided, single submitter. Criteria: EGL Classification Definitions 2015. Collection method: clinical testing. Allele origin: germline. Observed: 1 variant allele, 1 heterozygote.